The following is an entry in ClinVar:

NM_002692.4(POLE2):c.1150A>G (p.Ser384Gly)

Gene: POLE2 (DNA polymerase epsilon 2, accessory subunit; minus strand). Cytogenetic location: 14q21.3.
Variant type: single nucleotide variant.
Coding change: c.1150A>G on transcript NM_002692.4 (MANE Select); coding-DNA position 1150, A replaced by G.
Protein change: p.Ser384Gly; replaces serine 384 with glycine.
Molecular consequence: missense variant.
Genome position (GRCh38, 1-based): chr14:49,654,051, T>C on the plus strand (A>G on the coding strand, the complement: POLE2 is on the minus strand). VCF-style: chr14-49654051-T-C. GRCh37 (hg19) VCF-style: chr14-50120769-T-C.
Other names: c.1072A>G, p.Ser358Gly (NM_001197330.2); c.1150A>G, p.Ser384Gly (NM_001197331.3); c.1147A>G, p.Ser383Gly (NM_001348384.2); c.919A>G, p.Ser307Gly (NM_001348385.2); short protein forms S358G, S384G, S307G, S383G.
Identifiers: ClinVar variation 2801645 (VCV002801645.3), dbSNP rs2502824609, ClinGen allele CA389600361.

ClinVar aggregate classification (germline): Uncertain significance (1 of 4 stars; one submission).

Allele frequency attached by ClinVar (database versions not stated): gnomAD exomes below 0.00001.
gnomAD v4.1: 2 of 1,603,582 alleles (0.00012%); highest among the groups gnomAD compares: Non-Finnish European, 0.00017%; no homozygotes.

Submission:

Labcorp Genetics (formerly Invitae), Labcorp
Classification: Uncertain significance. Last evaluated: 2025-07-02. Review status: criteria provided, single submitter. Criteria: Invitae Variant Classification Sherloc (09022015). Collection method: clinical testing. Allele origin: germline.
Comment: This sequence change replaces serine, which is neutral and polar, with glycine, which is neutral and non-polar, at codon 384 of the POLE2 protein (p.Ser384Gly). This variant is not present in population databases (gnomAD no frequency). This variant has not been reported in the literature in individuals affected with POLE2-related conditions. ClinVar contains an entry for this variant (Variation ID: 2801645). An algorithm developed to predict the effect of missense changes on protein structure and function (PolyPhen-2) suggests that this variant is likely to be tolerated. In summary, the available evidence is currently insufficient to determine the role of this variant in disease. Therefore, it has been classified as a Variant of Uncertain Significance.